The following is an entry in ClinVar:

ClinVar aggregate classification (germline): Uncertain significance (1 of 4 stars; one submission).

Conditions:
Renal carnitine transport defect (CDSP). Also called: Carnitine Deficiency, Systemic; Systemic primary carnitine deficiency disease; CARNITINE DEFICIENCY, SYSTEMIC, DUE TO DEFECT IN RENAL REABSORPTION OF CARNITINE; CARNITINE TRANSPORTER, PLASMA-MEMBRANE, DEFICIENCY OF; CARNITINE UPTAKE DEFECT; Primary carnitine deficiency. Identifiers: Orphanet 158, MedGen C0342788, MONDO:0008919, OMIM 212140.

Submission:

Labcorp Genetics (formerly Invitae), Labcorp
Classification: Uncertain significance for Renal carnitine transport defect. Last evaluated: 2022-08-09. Review status: criteria provided, single submitter. Criteria: Invitae Variant Classification Sherloc (09022015). Collection method: clinical testing. Allele origin: germline.
Comment: In summary, the available evidence is currently insufficient to determine the role of this variant in disease. Therefore, it has been classified as a Variant of Uncertain Significance. Algorithms developed to predict the effect of missense changes on protein structure and function are either unavailable or do not agree on the potential impact of this missense change (SIFT: "Deleterious"; PolyPhen-2: "Benign"; Align-GVGD: "Class C0"). ClinVar contains an entry for this variant (Variation ID: 1357067). This variant has not been reported in the literature in individuals affected with SLC22A5-related conditions. This variant is not present in population databases (gnomAD no frequency). This sequence change replaces isoleucine, which is neutral and non-polar, with leucine, which is neutral and non-polar, at codon 493 of the SLC22A5 protein (p.Ile493Leu).

NM_003060.4(SLC22A5):c.1477A>C (p.Ile493Leu)

Gene: SLC22A5 (solute carrier family 22 member 5; plus strand). Cytogenetic location: 5q31.1.
Variant type: single nucleotide variant.
Coding change: c.1477A>C on transcript NM_003060.4 (MANE Select); coding-DNA position 1477, A replaced by C.
Protein change: p.Ile493Leu; replaces isoleucine 493 with leucine.
Molecular consequence: missense variant.
Genome position (GRCh38, 1-based): chr5:132,393,702, A>C. VCF-style: chr5-132393702-A-C. GRCh37 (hg19) VCF-style: chr5-131729394-A-C.
Other names: c.1549A>C, p.Ile517Leu (NM_001308122.2); short protein forms I517L, I493L.
Identifiers: ClinVar variation 1357067 (VCV001357067.8), dbSNP rs2126792661, ClinGen allele CA360809698.
Genomic context (GRCh38, chr5:132,393,702, plus strand): 5'-CCCTGGGCCTGAGGCTCCGTCTGCTTTGCCATAGGTGCCTACGACCGCTTCCTGCCCTAC[A>C]TTCTCATGGGAAGTCTGACCATCCTGACAGCCATCCTCACCTTGTTTCTCCCAGAGAGCT-3'
Protein context (NP_003051.1, residues 483-503): LGAYDRFLPY[Ile493Leu]LMGSLTILTA